The following is an entry in ClinVar:

ClinVar aggregate classification (germline): Uncertain significance (1 of 4 stars; one submission).

Conditions:
Early-infantile DEE. Also called: Early infantile epileptic encephalopathy; Early infantile epileptic encephalopathy with suppression bursts; Ohtahara syndrome. Identifiers: Orphanet 1934, MedGen C0393706, MONDO:0800491.

Submission:

Labcorp Genetics (formerly Invitae), Labcorp
Classification: Uncertain significance for Early-infantile DEE. Last evaluated: 2022-12-22. Review status: criteria provided, single submitter. Criteria: Invitae Variant Classification Sherloc (09022015). Collection method: clinical testing. Allele origin: germline.
Comment: Advanced modeling of protein sequence and biophysical properties (such as structural, functional, and spatial information, amino acid conservation, physicochemical variation, residue mobility, and thermodynamic stability) performed at Invitae indicates that this missense variant is expected to disrupt KCNQ2 protein function. This variant has not been reported in the literature in individuals affected with KCNQ2-related conditions. This variant is not present in population databases (gnomAD no frequency). This sequence change replaces methionine, which is neutral and non-polar, with isoleucine, which is neutral and non-polar, at codon 371 of the KCNQ2 protein (p.Met371Ile). In summary, the available evidence is currently insufficient to determine the role of this variant in disease. Therefore, it has been classified as a Variant of Uncertain Significance.

NM_172107.4(KCNQ2):c.1113G>A (p.Met371Ile)

Gene: KCNQ2 (potassium voltage-gated channel subfamily Q member 2; minus strand). Cytogenetic location: 20q13.33.
Variant type: single nucleotide variant.
Coding change: c.1113G>A on transcript NM_172107.4 (MANE Select); coding-DNA position 1113, G replaced by A.
Protein change: p.Met371Ile; replaces methionine 371 with isoleucine.
Molecular consequence: missense variant.
Genome position (GRCh38, 1-based): chr20:63,433,814, C>T on the plus strand (G>A on the coding strand, the complement: KCNQ2 is on the minus strand). VCF-style: chr20-63433814-C-T. GRCh37 (hg19) VCF-style: chr20-62065167-C-T.
Other names: c.1113G>A, p.Met371Ile (NM_001382235.1, NM_004518.6, NM_172106.3 and 2 more transcripts); short protein forms M371I.
Identifiers: ClinVar variation 2820787 (VCV002820787.3), dbSNP rs2516362098, ClinGen allele CA409651052.
Genomic context (GRCh38, chr20:63,433,814, plus strand): 5'-AATGGAAAATAAAAAATGAAACAGTTGCTTGGTGGCAGGTGCCCGGCGGCGGTACCTGTA[C>T]ATGGGCACGGTGACCGTTCGCTCGTAGTACTGCCACGTGGAGTGCAGGTCTGTGCGCGAG-3'
Protein context (NP_742105.1, residues 361-381): QYYERTVTVP[Met371Ile]YSSQTQTYGA